The following is an entry in ClinVar:

NM_001849.4(COL6A2):c.2253C>A (p.Asp751Glu)

Gene: COL6A2 (collagen type VI alpha 2 chain; plus strand). Cytogenetic location: 21q22.3.
Variant type: single nucleotide variant.
Coding change: c.2253C>A on transcript NM_001849.4 (MANE Select); coding-DNA position 2253, C replaced by A.
Protein change: p.Asp751Glu; replaces aspartic acid 751 with glutamic acid.
Molecular consequence: missense variant.
Genome position (GRCh38, 1-based): chr21:46,126,068, C>A. VCF-style: chr21-46126068-C-A. GRCh37 (hg19) VCF-style: chr21-47545982-C-A.
Other names: c.2253C>A, p.Asp751Glu (NM_058174.3, NM_058175.3); short protein forms D751E.
Identifiers: ClinVar variation 3673248 (VCV003673248.2).

ClinVar aggregate classification (germline): Uncertain significance (1 of 4 stars; one submission).

Conditions:
Bethlem myopathy 1A. Also called: MYOPATHY, BENIGN CONGENITAL, WITH CONTRACTURES; Bethlem myopathy 1; Bethlem Muscular Dystrophy. Identifiers: Orphanet 610, MedGen CN029274, MONDO:0024530, OMIM 158810.

Submission:

Labcorp Genetics (formerly Invitae), Labcorp
Classification: Uncertain significance for Bethlem myopathy 1A. Last evaluated: 2024-07-25. Review status: criteria provided, single submitter. Criteria: Invitae Variant Classification Sherloc (09022015). Collection method: clinical testing. Allele origin: germline.
Comment: This sequence change replaces aspartic acid, which is acidic and polar, with glutamic acid, which is acidic and polar, at codon 751 of the COL6A2 protein (p.Asp751Glu). This variant is not present in population databases (gnomAD no frequency). This variant has not been reported in the literature in individuals affected with COL6A2-related conditions. Advanced modeling of protein sequence and biophysical properties (such as structural, functional, and spatial information, amino acid conservation, physicochemical variation, residue mobility, and thermodynamic stability) performed at Invitae indicates that this missense variant is not expected to disrupt COL6A2 protein function with a negative predictive value of 80%. In summary, the available evidence is currently insufficient to determine the role of this variant in disease. Therefore, it has been classified as a Variant of Uncertain Significance.